The following is an entry in ClinVar:

ClinVar aggregate classification (germline): Uncertain significance (0 of 4 stars; one submission).

Conditions:
NRP1-related disorder. Also called: NRP1-related condition.

Submission:

PreventionGenetics, part of Exact Sciences
Classification: Uncertain significance for NRP1-related condition. Last evaluated: 2024-08-28. Review status: no assertion criteria provided. Collection method: clinical testing. Allele origin: germline.
Comment: The NRP1 c.1819C>G variant is predicted to result in the amino acid substitution p.Gln607Glu. This variant was identified in a study of 46,XY individuals with a disorder of sexual development (Baxter et al. 2015. PubMed ID: 25383892). This variant has not been reported in a large population database, indicating this variant is rare. At this time, the clinical significance of this variant is uncertain due to the absence of conclusive functional and genetic evidence.

NM_003873.7(NRP1):c.1819C>G (p.Gln607Glu)

Gene: NRP1 (neuropilin 1; minus strand). Cytogenetic location: 10p11.22.
Variant type: single nucleotide variant.
Coding change: c.1819C>G on transcript NM_003873.7 (MANE Select); coding-DNA position 1819, C replaced by G.
Protein change: p.Gln607Glu; replaces glutamine 607 with glutamic acid.
Molecular consequence: missense variant. On other transcripts: non-coding transcript variant (1), intron variant (1).
Genome position (GRCh38, 1-based): chr10:33,202,936, G>C on the plus strand (C>G on the coding strand, the complement: NRP1 is on the minus strand). VCF-style: chr10-33202936-G-C. GRCh37 (hg19) VCF-style: chr10-33491864-G-C.
Other names: c.1819C>G, p.Gln607Glu (NM_001024628.3, NM_001244972.2, NM_001244973.2 and 1 more transcripts); c.1759+4636C>G (NM_001024629.3); short protein forms Q607E.
Identifiers: ClinVar variation 3354151 (VCV003354151.1).